The following is an entry in ClinVar:

ClinVar aggregate classification (germline): Uncertain significance (1 of 4 stars; one submission).

Conditions:
Familial adenomatous polyposis 1 (FAP1). Also called: POLYPOSIS, ADENOMATOUS INTESTINAL; FAMILIAL ADENOMATOUS POLYPOSIS 1, ATTENUATED. Identifiers: MedGen C2713442, MONDO:0021056, OMIM 175100. Disease mechanism: loss of function.

Submission:

Labcorp Genetics (formerly Invitae), Labcorp
Classification: Uncertain significance for Familial adenomatous polyposis 1. Last evaluated: 2019-06-04. Review status: criteria provided, single submitter. Criteria: Invitae Variant Classification Sherloc (09022015). Collection method: clinical testing. Allele origin: germline.
Comment: Algorithms developed to predict the effect of sequence changes on RNA splicing suggest that this variant may create or strengthen a splice site, but this prediction has not been confirmed by published transcriptional studies. In summary, the available evidence is currently insufficient to determine the role of this variant in disease. Therefore, it has been classified as a Variant of Uncertain Significance. This variant has not been reported in the literature in individuals with APC-related conditions. This variant, c.7312_7314dup, results in the insertion of 1 amino acid(s) to the APC protein (p.Val2438dup), but otherwise preserves the integrity of the reading frame. This variant is not present in population databases (ExAC no frequency).

NM_000038.6(APC):c.7312_7314dup (p.Val2438dup)

Gene: APC (APC regulator of Wnt signaling pathway; plus strand). Cytogenetic location: 5q22.2.
Variant type: Duplication.
Coding change: c.7312_7314dup on transcript NM_000038.6 (MANE Select); coding-DNA positions 7312 to 7314, 3 bases duplicated (GTA; older notation c.7312_7314dupGTA).
Protein change: p.Val2438dup; duplicates valine 2438.
Molecular consequence: inframe insertion.
Genome position (GRCh38, 1-based): chr5:112,842,906-112,842,908, GTA duplicated; duplicating any 3 consecutive bases within chr5:112,842,904-112,842,908 gives the same sequence; the c. name uses the placement nearest the transcript's 3' end. VCF-style (leftmost placement, unchanged base first): chr5-112842903-T-TTAG. GRCh37 (hg19) VCF-style: chr5-112178600-T-TTAG.
Other names: c.7312_7314dup, p.Val2438dup (NM_001127510.3, NM_001354895.2); c.7258_7260dup, p.Val2420dup (NM_001127511.3); c.7366_7368dup, p.Val2456dup (NM_001354896.2); c.7342_7344dup, p.Val2448dup (NM_001354897.2); c.7237_7239dup, p.Val2413dup (NM_001354898.2); c.7228_7230dup, p.Val2410dup (NM_001354899.2); c.7189_7191dup, p.Val2397dup (NM_001354900.2); c.7135_7137dup, p.Val2379dup (NM_001354901.2); and 5 more.
Identifiers: ClinVar variation 945508 (VCV000945508.11), dbSNP rs1766443790, ClinGen allele CA1139659002.